The following is an entry in ClinVar:

NM_004064.5(CDKN1B):c.77C>T (p.Pro26Leu)

Gene: CDKN1B (cyclin dependent kinase inhibitor 1B; plus strand). Cytogenetic location: 12p13.1.
Variant type: single nucleotide variant.
Coding change: c.77C>T on transcript NM_004064.5 (MANE Select); coding-DNA position 77, C replaced by T.
Protein change: p.Pro26Leu; replaces proline 26 with leucine.
Molecular consequence: missense variant.
Genome position (GRCh38, 1-based): chr12:12,717,916, C>T. VCF-style: chr12-12717916-C-T. GRCh37 (hg19) VCF-style: chr12-12870850-C-T.
Other names: short protein forms P26L.
Identifiers: ClinVar variation 1403183 (VCV001403183.11), dbSNP rs2136355491, ClinGen allele CA383968382.
Genomic context (GRCh38, chr12:12,717,916, plus strand): 5'-TGTCTAACGGGAGCCCTAGCCTGGAGCGGATGGACGCCAGGCAGGCGGAGCACCCCAAGC[C>T]CTCGGCCTGCAGGAACCTCTTCGGCCCGGTGGACCACGAAGAGTTAACCCGGGACTTGGA-3'
Protein context (NP_004055.1, residues 16-36): MDARQAEHPK[Pro26Leu]SACRNLFGPV

ClinVar aggregate classification (germline): Uncertain significance. Review status: criteria provided, multiple submitters, no conflicts (2 of 4 stars). 2 submissions from 2 submitters: Uncertain significance (2). Last evaluated 2025-10-07.

Conditions:
Hereditary cancer-predisposing syndrome. Also called: Neoplastic Syndromes, Hereditary; Hereditary neoplastic syndrome; Hereditary Cancer Syndrome; Tumor predisposition. Identifiers: Orphanet 140162, MedGen C0027672, MeSH D009386, MONDO:0015356.
Multiple endocrine neoplasia type 4. Also called: MULTIPLE ENDOCRINE NEOPLASIA, TYPE IV. Identifiers: Orphanet 276152, MedGen C1970712, MONDO:0012552, OMIM 610755.

Submissions (2):

Labcorp Genetics (formerly Invitae), Labcorp
Classification: Uncertain significance for Multiple endocrine neoplasia type 4. Last evaluated: 2025-10-07. Review status: criteria provided, single submitter. Criteria: Invitae Variant Classification Sherloc (09022015). Collection method: clinical testing. Allele origin: germline.
Comment: This sequence change replaces proline, which is neutral and non-polar, with leucine, which is neutral and non-polar, at codon 26 of the CDKN1B protein (p.Pro26Leu). This variant is not present in population databases (gnomAD no frequency). This variant has not been reported in the literature in individuals affected with CDKN1B-related conditions. ClinVar contains an entry for this variant (Variation ID: 1403183). An algorithm developed to predict the effect of missense changes on protein structure and function (PolyPhen-2) suggests that this variant is likely to be tolerated. In summary, the available evidence is currently insufficient to determine the role of this variant in disease. Therefore, it has been classified as a Variant of Uncertain Significance.

Ambry Genetics
Classification: Uncertain significance for Hereditary cancer-predisposing syndrome. Last evaluated: 2024-10-02. Review status: criteria provided, single submitter. Criteria: Ambry Variant Classification Scheme 2023. Collection method: clinical testing. Allele origin: germline.
Comment: The p.P26L variant (also known as c.77C>T), located in coding exon 1 of the CDKN1B gene, results from a C to T substitution at nucleotide position 77. The proline at codon 26 is replaced by leucine, an amino acid with similar properties. This amino acid position is conserved. In addition, the in silico prediction for this alteration is inconclusive. Since supporting evidence is limited at this time, the clinical significance of this alteration remains unclear.